The following is an entry in ClinVar:

ClinVar aggregate classification (germline): Conflicting classifications of pathogenicity. Review status: criteria provided, conflicting classifications (1 of 4 stars). 5 submissions from 5 submitters: Uncertain significance (3); Likely benign (1). 1 of the submissions does not count toward it. Last evaluated 2025-07-21.

Conditions:
Microcephaly, normal intelligence and immunodeficiency (NBS). Also called: BERLIN BREAKAGE SYNDROME; Immunodeficiency, microcephaly with normal intelligence; SEEMANOVA SYNDROME II; Ataxia telangiectasia variant V1; Nijmegen breakage syndrome; IMMUNODEFICIENCY, MICROCEPHALY, AND CHROMOSOMAL INSTABILITY. Identifiers: Orphanet 647, MedGen C0398791, MONDO:0009623, OMIM 251260.
Hereditary cancer-predisposing syndrome. Also called: Neoplastic Syndromes, Hereditary; Hereditary neoplastic syndrome; Hereditary Cancer Syndrome; Tumor predisposition. Identifiers: Orphanet 140162, MedGen C0027672, MeSH D009386, MONDO:0015356.

Allele frequency attached by ClinVar (database versions not stated): gnomAD 0.00001; gnomAD exomes 0.00001 and below 0.00001; ExAC 0.00001.
gnomAD v4.1: 4 of 1,582,840 alleles (0.00025%); highest among the groups gnomAD compares: East Asian, 0.0022%; no homozygotes.

Submissions (5):

Labcorp Genetics (formerly Invitae), Labcorp
Classification: Likely benign for Microcephaly, normal intelligence and immunodeficiency. Last evaluated: 2025-07-21. Review status: criteria provided, single submitter. Criteria: Invitae Variant Classification Sherloc (09022015). Collection method: clinical testing. Allele origin: germline.

Ambry Genetics
Classification: Uncertain significance for Hereditary cancer-predisposing syndrome. Last evaluated: 2024-10-17. Review status: criteria provided, single submitter. Criteria: Ambry Variant Classification Scheme 2023. Collection method: clinical testing. Allele origin: germline.
Comment: The c.897G>A variant (also known as p.R299R), located in coding exon 8 of the NBN gene, results from a G to A substitution at nucleotide position 897. This nucleotide substitution does not change the amino acid at codon 299. However, this change occurs in the first base pair of coding exon 8, which makes it likely to have some effect on normal mRNA splicing. This nucleotide position is well conserved in available vertebrate species. In silico splice site analysis for this alteration is inconclusive. Based on the available evidence, the clinical significance of this variant remains unclear.

Genome-Nilou Lab
Classification: Uncertain significance for Microcephaly, normal intelligence and immunodeficiency. Last evaluated: 2021-11-07. Review status: criteria provided, single submitter. Criteria: ACMG Guidelines, 2015. Collection method: clinical testing. Allele origin: germline. Affected: no.

GeneDx
Classification: Uncertain significance. Last evaluated: 2020-12-02. Review status: criteria provided, single submitter. Criteria: GeneDx Variant Classification Process June 2021. Collection method: clinical testing. Allele origin: germline. Affected: yes.
Comment: Not observed at a significant frequency in large population cohorts (Lek 2016); Has not been previously published as pathogenic or benign to our knowledge; In-silico analysis, which includes splice predictors and evolutionary conservation, is inconclusive as to whether the variant alters gene splicing. In the absence of RNA/functional studies, the actual effect of this sequence change is unknown.

Natera, Inc.
Classification: Uncertain significance for Nijmegen breakage syndrome. Last evaluated: 2021-03-20. Review status: no assertion criteria provided. Collection method: clinical testing. Allele origin: germline. Not counted in ClinVar's aggregate classification.

NM_002485.5(NBN):c.897G>A (p.Arg299=)

Gene: NBN (nibrin; minus strand). Cytogenetic location: 8q21.3.
Variant type: single nucleotide variant.
Coding change: c.897G>A on transcript NM_002485.5 (MANE Select); coding-DNA position 897, G replaced by A.
Protein change: p.Arg299=; no amino-acid change (arginine 299 retained).
Molecular consequence: synonymous variant.
Genome position (GRCh38, 1-based): chr8:89,964,507, C>T on the plus strand (G>A on the coding strand, the complement: NBN is on the minus strand). VCF-style: chr8-89964507-C-T. GRCh37 (hg19) VCF-style: chr8-90976735-C-T.
Other names: c.651G>A, p.Arg217= (NM_001024688.3).
Identifiers: ClinVar variation 659500 (VCV000659500.21), dbSNP rs779798363, ClinGen allele CA4802852.
Genomic context (GRCh38, chr8:89,964,507, plus strand): 5'-TGTAGTCATGAAAATCACCGCCAATCCAATTTCTGCTTCAGGAATAGGTCTAAGACCTTG[C>T]CTATTAGAATAAAATAGTTTAAGTATGATAATATATTAAAACTAGCAACTTTTATTCAGA-3'
Protein context (NP_002476.2, residues 289-309): WIQSIMDMLQ[Arg299=]QGLRPIPEAE